The following is an entry in ClinVar:

NM_001374736.1(DST):c.22876G>A (p.Ala7626Thr)

Gene: DST (dystonin; minus strand). Cytogenetic location: 6p12.1.
Variant type: single nucleotide variant.
Coding change: c.22876G>A on transcript NM_001374736.1 (MANE Select); coding-DNA position 22876, G replaced by A.
Protein change: p.Ala7626Thr; replaces alanine 7626 with threonine.
Molecular consequence: missense variant.
Genome position (GRCh38, 1-based): chr6:56,463,648, C>T on the plus strand (G>A on the coding strand, the complement: DST is on the minus strand). VCF-style: chr6-56463648-C-T. GRCh37 (hg19) VCF-style: chr6-56328446-C-T.
Other names: c.16447G>A, p.Ala5483Thr (NM_001144769.5); c.16033G>A, p.Ala5345Thr (NM_001144770.2); c.22804G>A, p.Ala7602Thr (NM_001374722.1); c.21916G>A, p.Ala7306Thr (NM_001374729.1); c.15658G>A, p.Ala5220Thr (NM_001374730.1); c.22831G>A, p.Ala7611Thr (NM_001374734.1); c.15895G>A, p.Ala5299Thr (NM_001386100.1); c.14935G>A, p.Ala4979Thr (NM_015548.5); and 1 more; short protein forms A7306T, A7602T, A7611T, A5305T, A5483T, A4979T, A5299T, A5345T.
Identifiers: ClinVar variation 2928635 (VCV002928635.3), dbSNP rs771999169, ClinGen allele CA3866122.
Genomic context (GRCh38, chr6:56,463,648, plus strand): 5'-CCTGTGGGGAGGCCGCCTGCGCAGCCTGACTGGACACAGAAGTGGATCTGTTGGGTGAAG[C>T]GCCTCGTGATGATGGCCGGGATCTTCGGCCTCGGGGTCGGAAAGCAGCCATACCCTGGCT-3'
Protein context (NP_001361665.1, residues 7616-7636): GRRSRPSSRG[Ala7626Thr]SPNRSTSVSS

ClinVar aggregate classification (germline): Uncertain significance (1 of 4 stars; one submission).

Conditions:
Hereditary sensory and autonomic neuropathy type 6. Also called: HSAN VI; Neuropathy, hereditary sensory and autonomic, type VI. Identifiers: Orphanet 314381, MedGen C3539003, MONDO:0013839, OMIM 614653.
Epidermolysis bullosa simplex 3, localized or generalized intermediate, with BP230 deficiency (EBS3). Also called: Epidermolysis bullosa simplex, autosomal recessive 2; Epidermolysis bullosa simplex due to BP230 deficiency. Identifiers: Orphanet 412181, MedGen C3809470, MONDO:0014180, OMIM 615425.

Allele frequency attached by ClinVar (database versions not stated): ExAC 0.00001; gnomAD 0.00001; gnomAD exomes 0.00001.
gnomAD v4.1: 8 of 1,613,728 alleles (0.0005%); highest among the groups gnomAD compares: Admixed American, 0.0017%; no homozygotes.

Submission:

Labcorp Genetics (formerly Invitae), Labcorp
Classification: Uncertain significance for Epidermolysis bullosa simplex 3, localized or generalized intermediate, with BP230 deficiency; Hereditary sensory and autonomic neuropathy type 6. Last evaluated: 2023-02-09. Review status: criteria provided, single submitter. Criteria: Invitae Variant Classification Sherloc (09022015). Collection method: clinical testing. Allele origin: germline.
Comment: In summary, the available evidence is currently insufficient to determine the role of this variant in disease. Therefore, it has been classified as a Variant of Uncertain Significance. Experimental studies and prediction algorithms are not available or were not evaluated, and the functional significance of this variant is currently unknown. This variant has not been reported in the literature in individuals affected with DST-related conditions. The frequency data for this variant in the population databases is considered unreliable, as metrics indicate poor data quality at this position in the gnomAD database. This sequence change replaces alanine, which is neutral and non-polar, with threonine, which is neutral and polar, at codon 4979 of the DST protein (p.Ala4979Thr). The DST gene has multiple clinically relevant transcripts. This variant occurs in alternate transcript NM_015548.4, and corresponds to NM_001723.5:c.*151869G>A in the primary transcript.